The following is an entry in ClinVar:

ClinVar aggregate classification (germline): Uncertain significance. Review status: criteria provided, single submitter (1 of 4 stars). 2 submissions from 2 submitters: Uncertain significance (1). 1 of the submissions does not count toward it. Last evaluated 2023-04-24.

Conditions:
Familial long QT syndrome (RWS). Also called: Congenital long QT syndrome; Romano-Ward syndrome; VENTRICULAR FIBRILLATION WITH PROLONGED QT INTERVAL. Identifiers: Orphanet 768, MedGen C1141890, MONDO:0019171.

Submissions (2):

GeneDx
Classification: Uncertain significance. Last evaluated: 2023-04-24. Review status: criteria provided, single submitter. Criteria: GeneDx Variant Classification Process June 2021. Collection method: clinical testing. Allele origin: germline. Affected: yes.
Comment: Not observed at significant frequency in large population cohorts (gnomAD); In silico analysis supports that this missense variant has a deleterious effect on protein structure/function; This variant is associated with the following publications: (PMID: 17876385)

Cardiovascular Biomedical Research Unit, Royal Brompton & Harefield NHS Foundation Trust
No classification provided. Condition: Familial long QT syndrome. Review status: no classification provided. Collection method: literature only. Allele origin: germline. Not counted in ClinVar's aggregate classification.
Comment: This variant has been reported as associated with Long QT syndrome in the following publications (PMID:17876385). This is a literature report, and does not necessarily reflect the clinical interpretation of the Imperial College / Royal Brompton Cardiovascular Genetics laboratory.

Literature cited by the submitters: PubMed 17876385 (cited by Cardiovascular Biomedical Research Unit, Royal Brompton & Harefield NHS Foundation Trust); PubMed 22581653 (cited by Cardiovascular Biomedical Research Unit, Royal Brompton & Harefield NHS Foundation Trust).

NM_000238.4(KCNH2):c.253G>C (p.Ala85Pro)

Gene: KCNH2 (potassium voltage-gated channel subfamily H member 2; minus strand). Cytogenetic location: 7q36.1.
Variant type: single nucleotide variant.
Coding change: c.253G>C on transcript NM_000238.4 (MANE Select); coding-DNA position 253, G replaced by C.
Protein change: p.Ala85Pro; replaces alanine 85 with proline.
Molecular consequence: missense variant.
Genome position (GRCh38, 1-based): chr7:150,974,765, C>G on the plus strand (G>C on the coding strand, the complement: KCNH2 is on the minus strand). VCF-style: chr7-150974765-C-G. GRCh37 (hg19) VCF-style: chr7-150671853-C-G.
Other names: c.253G>C (LRG_288t1); c.76G>C, p.Ala26Pro (NM_001406755.1); c.253G>C, p.Ala85Pro (NM_172056.3); short protein forms A85P, A26P.
Identifiers: ClinVar variation 67410 (VCV000067410.6), dbSNP rs199472850, ClinGen allele CA006926.